The following is an entry in ClinVar:

NM_001927.4(DES):c.923A>G (p.Asn308Ser)

Gene: DES (desmin; plus strand). Cytogenetic location: 2q35.
Variant type: single nucleotide variant.
Coding change: c.923A>G on transcript NM_001927.4 (MANE Select); coding-DNA position 923, A replaced by G.
Protein change: p.Asn308Ser; replaces asparagine 308 with serine.
Molecular consequence: missense variant. On other transcripts: intron variant (1).
Genome position (GRCh38, 1-based): chr2:219,420,853, A>G. VCF-style: chr2-219420853-A-G. GRCh37 (hg19) VCF-style: chr2-220285575-A-G.
Other names: c.920A>G, p.Asn307Ser (NM_001382708.1); c.923A>G, p.Asn308Ser (NM_001382710.1, NM_001382711.1, NM_001382712.1); c.653A>G, p.Asn218Ser (NM_001382713.1); c.735+507A>G (NM_001382709.1); short protein forms N218S, N307S, N308S.
Identifiers: ClinVar variation 4783734 (VCV004783734.1).

ClinVar aggregate classification (germline): Uncertain significance (1 of 4 stars; one submission).

Conditions:
Desmin-related myofibrillar myopathy (MFM1). Also called: Desminopathy; Desmin related myopathy (former name); Desmin storage myopathy (former name); MYOFIBRILLAR MYOPATHY WITH ARRHYTHMOGENIC RIGHT VENTRICULAR CARDIOMYOPATHY; DESMIN-RELATED MYOPATHY WITH ARRHYTHMOGENIC RIGHT VENTRICULAR CARDIOMYOPATHY; Myofibrillar myopathy 1. Identifiers: Orphanet 363543, Orphanet 98909, MedGen C1832370, MONDO:0011076, OMIM 601419.

gnomAD v4.1: 1 of 1,613,566 alleles (0.000062%); highest among the groups gnomAD compares: African/African-American, 0.0013%; no homozygotes.

Submission:

Labcorp Genetics (formerly Invitae), Labcorp
Classification: Uncertain significance for Desmin-related myofibrillar myopathy. Last evaluated: 2025-05-19. Review status: criteria provided, single submitter. Criteria: Invitae Variant Classification Sherloc (09022015). Collection method: clinical testing. Allele origin: germline.
Comment: This sequence change replaces asparagine, which is neutral and polar, with serine, which is neutral and polar, at codon 308 of the DES protein (p.Asn308Ser). This variant is not present in population databases (gnomAD no frequency). This variant has not been reported in the literature in individuals affected with DES-related conditions. Invitae Evidence Modeling of protein sequence and biophysical properties (such as structural, functional, and spatial information, amino acid conservation, physicochemical variation, residue mobility, and thermodynamic stability) indicates that this missense variant is not expected to disrupt DES protein function with a negative predictive value of 80%. In summary, the available evidence is currently insufficient to determine the role of this variant in disease. Therefore, it has been classified as a Variant of Uncertain Significance.